The following is an entry in ClinVar:

ClinVar aggregate classification (germline): Conflicting classifications of pathogenicity. Review status: criteria provided, conflicting classifications (1 of 4 stars). 4 submissions from 4 submitters: Uncertain significance (2); Likely benign (1). 1 of the submissions does not count toward it. Last evaluated 2025-11-03.

Conditions:
Kabuki syndrome. Also called: Kabuki make-up syndrome; NIIKAWA-KUROKI SYNDROME. Identifiers: Orphanet 2322, MedGen C0796004, MONDO:0016512.
KMT2D-related disorder. Also called: KMT2D-Related Disorders.
Inborn genetic diseases. Identifiers: MedGen C0950123, MeSH D030342.

Submissions (4):

Women's Health and Genetics/Laboratory Corporation of America, LabCorp
Classification: Uncertain significance. Last evaluated: 2025-11-03. Review status: criteria provided, single submitter. Criteria: LabCorp Variant Classification Summary - May 2015. Collection method: clinical testing. Allele origin: germline.
Comment: Variant summary: KMT2D c.11886_11888delACA (p.Gln3965del) results in an in-frame deletion that is predicted to remove one amino acids from the encoded protein. The variant allele was found at a frequency of 6.4e-06 in 155754 control chromosomes. The available data on variant occurrences in the general population are insufficient to allow any conclusion about variant significance. To our knowledge, no occurrence of c.11886_11888delACA in individuals affected with KMT2D-related conditions and no experimental evidence demonstrating its impact on protein function have been reported. ClinVar contains an entry for this variant (Variation ID: 2629423). Based on the evidence outlined above, the variant was classified as uncertain significance.

Labcorp Genetics (formerly Invitae), Labcorp
Classification: Uncertain significance for Kabuki syndrome. Last evaluated: 2025-08-31. Review status: criteria provided, single submitter. Criteria: Invitae Variant Classification Sherloc (09022015). Collection method: clinical testing. Allele origin: germline.
Comment: This variant, c.11886_11888del, results in the deletion of 1 amino acid(s) of the KMT2D protein (p.Gln3965del), but otherwise preserves the integrity of the reading frame. The frequency data for this variant in the population databases is considered unreliable, as metrics indicate poor data quality at this position in the gnomAD database. This variant has not been reported in the literature in individuals affected with KMT2D-related conditions. This variant has been observed in at least one individual who was not affected with KMT2D-related conditions (internal data). Experimental studies and prediction algorithms are not available or were not evaluated, and the functional significance of this variant is currently unknown. In summary, the available evidence is currently insufficient to determine the role of this variant in disease. Therefore, it has been classified as a Variant of Uncertain Significance.

Ambry Genetics
Classification: Likely benign for Inborn genetic diseases. Last evaluated: 2025-04-11. Review status: criteria provided, single submitter. Criteria: Ambry Variant Classification Scheme 2023. Collection method: clinical testing. Allele origin: germline.

PreventionGenetics, part of Exact Sciences
Classification: Uncertain significance for KMT2D-related condition. Last evaluated: 2024-07-18. Review status: no assertion criteria provided. Collection method: clinical testing. Allele origin: germline. Not counted in ClinVar's aggregate classification.
Comment: The KMT2D c.11886_11888delACA variant is predicted to result in an in-frame deletion (p.Gln3965del). To our knowledge, this variant has not been reported in the literature. This variant is reported in 0.012% of alleles in individuals of African descent in gnomAD. Although we suspect that this variant may be benign, at this time, the clinical significance of this variant is uncertain due to the absence of conclusive functional and genetic evidence.

NM_003482.4(KMT2D):c.11880ACA[2] (p.Gln3965del)

Gene: KMT2D (lysine methyltransferase 2D; minus strand). Cytogenetic location: 12q13.12.
Variant type: Microsatellite.
Coding change: c.11880ACA[2] on transcript NM_003482.4 (MANE Select); two copies in a row of the 3-base unit ACA starting at c.11880; the reference has three copies in a row; one copy, 3 bases deleted.
Protein change: p.Gln3965del; deletes glutamine 3965.
Molecular consequence: inframe deletion. On other transcripts: inframe indel (2).
Genome position (GRCh38, 1-based): chr12:49,032,817-49,032,819, TGT deleted on the plus strand (ACA on the coding strand, the reverse complement: KMT2D is on the minus strand); deleting any 3 consecutive bases within chr12:49,032,817-49,032,827 gives the same sequence; the position shown is the placement nearest the transcript's 3' end. VCF-style (leftmost placement, unchanged base first): chr12-49032816-CTGT-C. GRCh37 (hg19) VCF-style: chr12-49426599-CTGT-C.
Other names: c.11886_11888delACA (NM_003482.3, NM_003482.4); c.11878_11880CAA[2], p.Gln3965del (NM_003482.3); short protein forms Q3965del.
Identifiers: ClinVar variation 2629423 (VCV002629423.7), dbSNP rs780886030, ClinGen allele CA6546279.